The following is an entry in ClinVar:

ClinVar aggregate classification (germline): Conflicting classifications of pathogenicity. Review status: criteria provided, conflicting classifications (1 of 4 stars). 3 submissions from 3 submitters: Uncertain significance (2); Likely benign (1). Last evaluated 2025-01-31.

Conditions:
Inborn genetic diseases. Identifiers: MedGen C0950123, MeSH D030342.
Hajdu-Cheney syndrome (HJCYS). Also called: ACROOSTEOLYSIS WITH OSTEOPOROSIS AND CHANGES IN SKULL AND MANDIBLE; SERPENTINE FIBULA-POLYCYSTIC KIDNEY SYNDROME; Acroosteolysis dominant type. Identifiers: Orphanet 955, MedGen C0917715, MONDO:0007057, OMIM 102500.

Allele frequency attached by ClinVar (database versions not stated): gnomAD exomes 0.00001 and 0.00003; ExAC 0.00002; TOPMed 0.00002; gnomAD 0.00003 and 0.00004; ESP Exome Variant Server 0.00008; 1000 Genomes Project 30x 0.00016; 1000 Genomes Project 0.00020.
gnomAD v4.1: 14 of 1,614,156 alleles (0.00087%); highest among the groups gnomAD compares: Admixed American, 0.013%; no homozygotes.

Submissions (3):

Ambry Genetics
Classification: Likely benign for Inborn genetic diseases. Last evaluated: 2025-01-31. Review status: criteria provided, single submitter. Criteria: Ambry Variant Classification Scheme 2023. Collection method: clinical testing. Allele origin: germline.

Labcorp Genetics (formerly Invitae), Labcorp
Classification: Uncertain significance for Hajdu-Cheney syndrome. Last evaluated: 2024-10-27. Review status: criteria provided, single submitter. Criteria: Invitae Variant Classification Sherloc (09022015). Collection method: clinical testing. Allele origin: germline.
Comment: This sequence change replaces methionine, which is neutral and non-polar, with valine, which is neutral and non-polar, at codon 2270 of the NOTCH2 protein (p.Met2270Val). This variant is present in population databases (rs145628676, gnomAD 0.02%). This variant has not been reported in the literature in individuals affected with NOTCH2-related conditions. ClinVar contains an entry for this variant (Variation ID: 501022). Invitae Evidence Modeling of protein sequence and biophysical properties (such as structural, functional, and spatial information, amino acid conservation, physicochemical variation, residue mobility, and thermodynamic stability) indicates that this missense variant is not expected to disrupt NOTCH2 protein function with a negative predictive value of 80%. In summary, the available evidence is currently insufficient to determine the role of this variant in disease. Therefore, it has been classified as a Variant of Uncertain Significance.

Eurofins Ntd Llc (ga)
Classification: Uncertain significance. Last evaluated: 2017-04-17. Review status: criteria provided, single submitter. Criteria: EGL Classification Definitions 2015. Collection method: clinical testing. Allele origin: germline. Observed: 1 variant allele, 1 heterozygote.

NM_024408.4(NOTCH2):c.6808A>G (p.Met2270Val)

Gene: NOTCH2 (notch receptor 2; minus strand). Cytogenetic location: 1p12.
Variant type: single nucleotide variant.
Coding change: c.6808A>G on transcript NM_024408.4 (MANE Select); coding-DNA position 6808, A replaced by G.
Protein change: p.Met2270Val; replaces methionine 2270 with valine.
Molecular consequence: missense variant.
Genome position (GRCh38, 1-based): chr1:119,915,914, T>C on the plus strand (A>G on the coding strand, the complement: NOTCH2 is on the minus strand). VCF-style: chr1-119915914-T-C. GRCh37 (hg19) VCF-style: chr1-120458537-T-C.
Other names: c.6808A>G (NM_024408.3); short protein forms M2270V.
Identifiers: ClinVar variation 501022 (VCV000501022.12), dbSNP rs145628676, ClinGen allele CA1039375.